The following is an entry in ClinVar:

ClinVar aggregate classification (germline): Uncertain significance (1 of 4 stars; one submission).

Submission:

GeneDx
Classification: Uncertain significance. Last evaluated: 2016-02-09. Review status: criteria provided, single submitter. Criteria: GeneDx Variant Classification (06012015). Collection method: clinical testing. Allele origin: germline. Affected: yes.
Comment: The L1527P variant has not been published as a pathogenic variant, nor has it been reported as a benign variant to our knowledge. It was not observed in approximately 6,500 individuals of European and African American ancestry in the NHLBI Exome Sequencing Project, indicating it is not a common benign variant in these populations. The L1527P variant is a semi-conservative amino acid substitution, which may impact secondary protein structure as these residues differ in some properties. This substitution occurs at a position that is highly conserved across species, and in silico analysis predicts this variant is probably damaging to the protein structure/function. Based on the currently available information, it is unclear whether this variant is a pathogenic variant or a rare benign variant.

NM_001376.5(DYNC1H1):c.4580T>C (p.Leu1527Pro)

Gene: DYNC1H1 (dynein cytoplasmic 1 heavy chain 1; plus strand). Cytogenetic location: 14q32.31.
Variant type: single nucleotide variant.
Coding change: c.4580T>C on transcript NM_001376.5 (MANE Select); coding-DNA position 4580, T replaced by C.
Protein change: p.Leu1527Pro; replaces leucine 1527 with proline.
Molecular consequence: missense variant.
Genome position (GRCh38, 1-based): chr14:102,002,574, T>C. VCF-style: chr14-102002574-T-C. GRCh37 (hg19) VCF-style: chr14-102468911-T-C.
Other names: short protein forms L1527P.
Identifiers: ClinVar variation 246342 (VCV000246342.1), dbSNP rs879254213, ClinGen allele CA10584462.
Genomic context (GRCh38, chr14:102,002,574, plus strand): 5'-TCTCCCTCCTGTCTGCCCACCAGGTTTTTGAAGAGGATGCTCTCAGCTGGGAAGATAAGC[T>C]GAACAGGATCATGGCTCTCTTTGATGTGTGGATTGATGTGCAGAGGCGGTGGGTCTACCT-3'
Protein context (NP_001367.2, residues 1517-1537): EEDALSWEDK[Leu1527Pro]NRIMALFDVW